The following is an entry in ClinVar:

ClinVar aggregate classification (germline): Uncertain significance (1 of 4 stars; one submission).

Conditions:
Microcephaly-intellectual disability-sensorineural hearing loss-epilepsy-abnormal muscle tone syndrome (NEDHSB). Also called: NEURODEVELOPMENTAL DISORDER WITH HEARING LOSS, SEIZURES, AND BRAIN ABNORMALITIES. Identifiers: Orphanet 457351, MedGen C4225276, MONDO:0014698, OMIM 616577.

Allele frequency attached by ClinVar (database versions not stated): gnomAD exomes below 0.00001; TOPMed below 0.00001; gnomAD 0.00001.
gnomAD v4.1: 4 of 1,613,776 alleles (0.00025%); highest among the groups gnomAD compares: Admixed American, 0.005%; no homozygotes.

Submission:

Labcorp Genetics (formerly Invitae), Labcorp
Classification: Uncertain significance for Microcephaly-intellectual disability-sensorineural hearing loss-epilepsy-abnormal muscle tone syndrome. Last evaluated: 2022-01-01. Review status: criteria provided, single submitter. Criteria: Invitae Variant Classification Sherloc (09022015). Collection method: clinical testing. Allele origin: germline.
Comment: This sequence change replaces threonine, which is neutral and polar, with isoleucine, which is neutral and non-polar, at codon 335 of the SPATA5 protein (p.Thr335Ile). This variant is present in population databases (no rsID available, gnomAD 0.003%). This variant has not been reported in the literature in individuals affected with SPATA5-related conditions. ClinVar contains an entry for this variant (Variation ID: 838833). Advanced modeling of protein sequence and biophysical properties (such as structural, functional, and spatial information, amino acid conservation, physicochemical variation, residue mobility, and thermodynamic stability) performed at Invitae indicates that this missense variant is not expected to disrupt SPATA5 protein function. In summary, the available evidence is currently insufficient to determine the role of this variant in disease. Therefore, it has been classified as a Variant of Uncertain Significance.

NM_145207.3(AFG2A):c.1004C>T (p.Thr335Ile)

Gene: AFG2A (AFG2 AAA ATPase homolog A; plus strand). Cytogenetic location: 4q28.1.
Variant type: single nucleotide variant.
Coding change: c.1004C>T on transcript NM_145207.3 (MANE Select); coding-DNA position 1004, C replaced by T.
Protein change: p.Thr335Ile; replaces threonine 335 with isoleucine.
Molecular consequence: missense variant.
Genome position (GRCh38, 1-based): chr4:122,934,595, C>T. VCF-style: chr4-122934595-C-T. GRCh37 (hg19) VCF-style: chr4-123855750-C-T.
Other names: c.1001C>T, p.Thr334Ile (NM_001317799.2, NM_001345856.2); short protein forms T335I, T334I.
Identifiers: ClinVar variation 838833 (VCV000838833.4), dbSNP rs1416317921, ClinGen allele CA358102936.
Genomic context (GRCh38, chr4:122,934,595, plus strand): 5'-GAGCAAAGTGCAATACTGATACTTTTTATTTTATTTCTTCAACAACAAGAGTCAATTTTA[C>T]AGAGATTGATAAAAATTCAAAAGAGCAAGACAACCAATTCAAAGTAACTTATGACATGAT-3'
Protein context (NP_660208.2, residues 325-345): FISSTTRVNF[Thr335Ile]EIDKNSKEQD